The following is an entry in ClinVar:

NM_015570.4(AUTS2):c.1132G>A (p.Val378Met)

Gene: AUTS2 (activator of transcription and developmental regulator AUTS2; plus strand). Cytogenetic location: 7q11.22.
Variant type: single nucleotide variant.
Coding change: c.1132G>A on transcript NM_015570.4 (MANE Select); coding-DNA position 1132, G replaced by A.
Protein change: p.Val378Met; replaces valine 378 with methionine.
Molecular consequence: missense variant.
Genome position (GRCh38, 1-based): chr7:70,763,259, G>A. VCF-style: chr7-70763259-G-A. GRCh37 (hg19) VCF-style: chr7-70228245-G-A.
Other names: c.1132G>A, p.Val378Met (NM_001127231.3); short protein forms V378M.
Identifiers: ClinVar variation 2145642 (VCV002145642.4), dbSNP rs771546186, ClinGen allele CA4280562.

ClinVar aggregate classification (germline): Uncertain significance (1 of 4 stars; one submission).

Allele frequency attached by ClinVar (database versions not stated): ExAC 0.00001; gnomAD 0.00001; gnomAD exomes 0.00001; TOPMed 0.00001.
gnomAD v4.1: 7 of 1,613,560 alleles (0.00043%); highest among the groups gnomAD compares: Admixed American, 0.012%; no homozygotes.

Submission:

Labcorp Genetics (formerly Invitae), Labcorp
Classification: Uncertain significance. Last evaluated: 2025-08-10. Review status: criteria provided, single submitter. Criteria: Invitae Variant Classification Sherloc (09022015). Collection method: clinical testing. Allele origin: germline.
Comment: This sequence change replaces valine, which is neutral and non-polar, with methionine, which is neutral and non-polar, at codon 378 of the AUTS2 protein (p.Val378Met). This variant is present in population databases (rs771546186, gnomAD 0.01%). This variant has not been reported in the literature in individuals affected with AUTS2-related conditions. ClinVar contains an entry for this variant (Variation ID: 2145642). Invitae Evidence Modeling of protein sequence and biophysical properties (such as structural, functional, and spatial information, amino acid conservation, physicochemical variation, residue mobility, and thermodynamic stability) indicates that this missense variant is not expected to disrupt AUTS2 protein function with a negative predictive value of 80%. In summary, the available evidence is currently insufficient to determine the role of this variant in disease. Therefore, it has been classified as a Variant of Uncertain Significance.